The following is an entry in ClinVar:

ClinVar aggregate classification (germline): Conflicting classifications of pathogenicity. Review status: criteria provided, conflicting classifications (1 of 4 stars). 5 submissions from 5 submitters: Uncertain significance (4); Likely benign (1). Last evaluated 2025-01-23.

Conditions:
Cardiovascular phenotype. Identifiers: MedGen CN230736.
Hereditary cancer-predisposing syndrome. Also called: Hereditary neoplastic syndrome; Tumor predisposition; Hereditary Cancer Syndrome; Neoplastic Syndromes, Hereditary. Identifiers: Orphanet 140162, MedGen C0027672, MeSH D009386, MONDO:0015356.
Juvenile myelomonocytic leukemia (JMML). Also called: LEUKEMIA, JUVENILE MYELOMONOCYTIC, SOMATIC. Identifiers: Orphanet 86834, MedGen C0349639, MONDO:0011908, OMIM 607785, HP:0012209.
Neurofibromatosis, type 1 (NF1). Also called: Peripheral type neurofibromatosis; Neurofibromatosis, type I; VON RECKLINGHAUSEN DISEASE; NEUROFIBROMATOSIS, TYPE I, SOMATIC. Identifiers: Orphanet 636, MedGen C0027831, MONDO:0018975, OMIM 162200. Disease mechanism: loss of function.

Allele frequency attached by ClinVar (database versions not stated): gnomAD exomes below 0.00001.

Submissions (5):

Labcorp Genetics (formerly Invitae), Labcorp
Classification: Uncertain significance for Neurofibromatosis, type 1. Last evaluated: 2025-01-23. Review status: criteria provided, single submitter. Criteria: Invitae Variant Classification Sherloc (09022015). Collection method: clinical testing. Allele origin: germline.
Comment: This sequence change replaces cysteine, which is neutral and slightly polar, with tyrosine, which is neutral and polar, at codon 632 of the NF1 protein (p.Cys632Tyr). This variant is not present in population databases (gnomAD no frequency). This variant has not been reported in the literature in individuals affected with NF1-related conditions. ClinVar contains an entry for this variant (Variation ID: 575094). Invitae Evidence Modeling of protein sequence and biophysical properties (such as structural, functional, and spatial information, amino acid conservation, physicochemical variation, residue mobility, and thermodynamic stability) indicates that this missense variant is not expected to disrupt NF1 protein function with a negative predictive value of 95%. In summary, the available evidence is currently insufficient to determine the role of this variant in disease. Therefore, it has been classified as a Variant of Uncertain Significance.

Ambry Genetics
Classification: Likely benign for Cardiovascular phenotype; Hereditary cancer-predisposing syndrome. Last evaluated: 2024-06-28. Review status: criteria provided, single submitter. Criteria: Ambry Variant Classification Scheme 2023. Collection method: clinical testing. Allele origin: germline.

Baylor Genetics
Classification: Uncertain significance for Juvenile myelomonocytic leukemia. Last evaluated: 2024-01-10. Review status: criteria provided, single submitter. Criteria: ACMG Guidelines, 2015. Collection method: clinical testing. Allele origin: unknown.

GeneDx
Classification: Uncertain significance. Last evaluated: 2023-05-15. Review status: criteria provided, single submitter. Criteria: GeneDx Variant Classification Process June 2021. Collection method: clinical testing. Allele origin: germline. Affected: yes.
Comment: Has not been previously published as pathogenic or benign to our knowledge; Not observed at significant frequency in large population cohorts (gnomAD); In silico analysis supports that this missense variant does not alter protein structure/function; This variant is associated with the following publications: (PMID: 25486365)

Genome-Nilou Lab
Classification: Uncertain significance for Neurofibromatosis, type 1. Last evaluated: 2022-03-15. Review status: criteria provided, single submitter. Criteria: ACMG Guidelines, 2015. Collection method: clinical testing. Allele origin: germline. Affected: no.

NM_001042492.3(NF1):c.1895G>A (p.Cys632Tyr)

Gene: NF1 (neurofibromin 1; plus strand). Cytogenetic location: 17q11.2.
Variant type: single nucleotide variant.
Coding change: c.1895G>A on transcript NM_001042492.3 (MANE Select); coding-DNA position 1895, G replaced by A.
Protein change: p.Cys632Tyr; replaces cysteine 632 with tyrosine.
Molecular consequence: missense variant.
Genome position (GRCh38, 1-based): chr17:31,225,144, G>A. VCF-style: chr17-31225144-G-A. GRCh37 (hg19) VCF-style: chr17-29552162-G-A.
Other names: c.1895G>A, p.Cys632Tyr (NM_000267.4); short protein forms C632Y.
Identifiers: ClinVar variation 575094 (VCV000575094.16), dbSNP rs1567846698, ClinGen allele CA399005208.